The following is an entry in ClinVar:

ClinVar aggregate classification (germline): Likely benign (0 of 4 stars; one submission).

Conditions:
SLURP1-related disorder. Also called: SLURP1-related condition.

Allele frequency attached by ClinVar (database versions not stated): gnomAD exomes below 0.00001.
gnomAD v4.1: 1 of 1,583,786 alleles (0.000063%); highest among the groups gnomAD compares: Non-Finnish European, 0.000086%; no homozygotes.

Submission:

PreventionGenetics, part of Exact Sciences
Classification: Likely benign for SLURP1-related condition. Last evaluated: 2019-09-17. Review status: no assertion criteria provided. Collection method: clinical testing. Allele origin: germline.
Comment: This variant is classified as likely benign based on ACMG/AMP sequence variant interpretation guidelines (Richards et al. 2015 PMID: 25741868, with internal and published modifications).

NM_020427.3(SLURP1):c.179-8C>T

Gene: SLURP1 (secreted LY6/PLAUR domain containing 1; minus strand). Cytogenetic location: 8q24.3.
Variant type: single nucleotide variant.
Coding change: c.179-8C>T on transcript NM_020427.3 (MANE Select); 8 bases into the intron before coding-DNA position 179, C replaced by T.
Molecular consequence: intron variant.
Genome position (GRCh38, 1-based): chr8:142,741,284, G>A on the plus strand (C>T on the coding strand, the complement: SLURP1 is on the minus strand). VCF-style: chr8-142741284-G-A. GRCh37 (hg19) VCF-style: chr8-143822702-G-A.
Identifiers: ClinVar variation 3039745 (VCV003039745.2), dbSNP rs1815863777, ClinGen allele CA1825429039.